The following is an entry in ClinVar:

ClinVar aggregate classification (germline): Uncertain significance (1 of 4 stars; one submission).

Conditions:
Wilson disease (WND). Also called: Wilson's disease. Identifiers: Orphanet 905, MedGen C0019202, MONDO:0010200, OMIM 277900. Disease mechanism: loss of function.

gnomAD v4.1: 1 of 1,614,206 alleles (0.000062%); highest among the groups gnomAD compares: Admixed American, 0.0017%; no homozygotes.

Submission:

Color Diagnostics, LLC DBA Color Health
Classification: Uncertain significance for Wilson disease. Last evaluated: 2024-10-15. Review status: criteria provided, single submitter. Criteria: ACMG Guidelines, 2015. Collection method: clinical testing. Allele origin: germline.
Comment: This missense variant replaces leucine with valine at codon 1181 of the ATP7B protein. Computational prediction suggests that this variant may have deleterious impact on protein structure and function (internally defined REVEL score threshold >= 0.7, PMID: 27666373). To our knowledge, functional studies have not been reported for this variant. This variant has not been reported in individuals affected with ATP7B-related disorders in the literature. This variant has been identified in 2/249588 chromosomes in the general population by the Genome Aggregation Database (gnomAD). The available evidence is insufficient to determine the role of this variant in disease conclusively. Therefore, this variant is classified as a Variant of Uncertain Significance.

NM_000053.4(ATP7B):c.3541C>G (p.Leu1181Val)

Gene: ATP7B (ATPase copper transporting beta; minus strand). Cytogenetic location: 13q14.3.
Variant type: single nucleotide variant.
Coding change: c.3541C>G on transcript NM_000053.4 (MANE Select); coding-DNA position 3541, C replaced by G.
Protein change: p.Leu1181Val; replaces leucine 1181 with valine.
Molecular consequence: missense variant. On other transcripts: intron variant (2).
Genome position (GRCh38, 1-based): chr13:51,941,096, G>C on the plus strand (C>G on the coding strand, the complement: ATP7B is on the minus strand). VCF-style: chr13-51941096-G-C. GRCh37 (hg19) VCF-style: chr13-52515232-G-C.
Other names: c.2920C>G, p.Leu974Val (NM_001005918.3); c.3208C>G, p.Leu1070Val (NM_001243182.2); c.3307C>G, p.Leu1103Val (NM_001330578.2, NM_001406527.1, NM_001406528.1); c.3289C>G, p.Leu1097Val (NM_001330579.2, NM_001406531.1, NM_001406532.1); c.3541C>G, p.Leu1181Val (NM_001406511.1, NM_001406512.1, NM_001406526.1); c.3535C>G, p.Leu1179Val (NM_001406513.1); c.3508C>G, p.Leu1170Val (NM_001406514.1); c.3487C>G, p.Leu1163Val (NM_001406515.1, NM_001406516.1); and 20 more; short protein forms L1019V, L1032V, L1038V, L1068V, L1070V, L1071V, L1085V, L1097V.
Identifiers: ClinVar variation 3894068 (VCV003894068.1).